The following is an entry in ClinVar:

ClinVar aggregate classification (germline): Likely benign. Review status: criteria provided, multiple submitters, no conflicts (2 of 4 stars). 2 submissions from 2 submitters: Likely benign (2). Last evaluated 2025-07-01.

Conditions:
Myopathy, proximal, and ophthalmoplegia (CMYO6). Also called: INCLUSION BODY MYOPATHY 3, AUTOSOMAL DOMINANT; CONGENITAL MYOPATHY 6 WITH OPHTHALMOPLEGIA; MYOPATHY WITH CONGENITAL JOINT CONTRACTURES, OPHTHALMOPLEGIA, AND RIMMED VACUOLES. Identifiers: Orphanet 363677, Orphanet 79091, MedGen C1854106, MONDO:0011577, OMIM 605637.

Allele frequency attached by ClinVar (database versions not stated): gnomAD exomes below 0.00001.
gnomAD v4.1: 4 of 1,613,824 alleles (0.00025%); highest among the groups gnomAD compares: South Asian, 0.0022%; 1 homozygote.

Submissions (2):

CeGaT Center for Human Genetics Tuebingen
Classification: Likely benign. Last evaluated: 2025-07-01. Review status: criteria provided, single submitter. Criteria: CeGaT Center For Human Genetics Tuebingen Variant Classification Criteria Version 2. Collection method: clinical testing. Allele origin: germline. Affected: yes. Observed: 1 variant allele.
Comment: MYH2: BP4, BP7

Labcorp Genetics (formerly Invitae), Labcorp
Classification: Likely benign for Myopathy, proximal, and ophthalmoplegia. Last evaluated: 2018-03-07. Review status: criteria provided, single submitter. Criteria: Invitae Variant Classification Sherloc (09022015). Collection method: clinical testing. Allele origin: germline.

NM_017534.6(MYH2):c.3774A>G (p.Leu1258=)

Genes: MYHAS (myosin heavy chain gene cluster antisense RNA; plus strand), MYH2 (myosin heavy chain 2; minus strand). Cytogenetic location: 17p13.1.
Variant type: single nucleotide variant.
Coding change: c.3774A>G on transcript NM_017534.6 (MANE Select); coding-DNA position 3774, A replaced by G.
Protein change: p.Leu1258=; no amino-acid change (leucine 1258 retained).
Molecular consequence: synonymous variant.
Genome position (GRCh38, 1-based): chr17:10,527,845, T>C on the plus strand (A>G on the coding strand, the complement: MYH2 is on the minus strand). VCF-style: chr17-10527845-T-C. GRCh37 (hg19) VCF-style: chr17-10431162-T-C.
Other names: c.3774A>G, p.Leu1258= (NM_001100112.2).
Identifiers: ClinVar variation 752497 (VCV000752497.15), dbSNP rs1597449940, ClinGen allele CA497854828.